The following is an entry in ClinVar:

ClinVar aggregate classification (germline): Uncertain significance. Review status: criteria provided, multiple submitters, no conflicts (2 of 4 stars). 2 submissions from 2 submitters: Uncertain significance (2). Last evaluated 2025-07-02.

Conditions:
Acute lymphoid leukemia (ALL). Also called: Lymphoblastic leukemia; Acute lymphoblastic leukemia; Acute lymphocytic leukemia; Leukemia, acute lymphoblastic, somatic. Identifiers: Orphanet 513, MedGen C0023449, MONDO:0004967, OMIM 613065, HP:0006721.

Allele frequency attached by ClinVar (database versions not stated): ExAC 0.00002; gnomAD exomes 0.00002 and 0.00006; gnomAD 0.00005 and 0.00006; TOPMed 0.00006.

Submissions (2):

Labcorp Genetics (formerly Invitae), Labcorp
Classification: Uncertain significance. Last evaluated: 2025-07-02. Review status: criteria provided, single submitter. Criteria: Invitae Variant Classification Sherloc (09022015). Collection method: clinical testing. Allele origin: germline.
Comment: This sequence change replaces methionine, which is neutral and non-polar, with threonine, which is neutral and polar, at codon 133 of the IKZF1 protein (p.Met133Thr). This variant is present in population databases (rs764847531, gnomAD 0.004%). This variant has not been reported in the literature in individuals affected with IKZF1-related conditions. ClinVar contains an entry for this variant (Variation ID: 1691526). An algorithm developed to predict the effect of missense changes on protein structure and function outputs the following: PolyPhen-2: "Benign". The threonine amino acid residue is found in multiple mammalian species, which suggests that this missense change does not adversely affect protein function. In summary, the available evidence is currently insufficient to determine the role of this variant in disease. Therefore, it has been classified as a Variant of Uncertain Significance.

St. Jude Molecular Pathology, St. Jude Children's Research Hospital
Classification: Uncertain significance for Acute lymphoid leukemia. Last evaluated: 2022-05-26. Review status: criteria provided, single submitter. Criteria: St. Jude Assertion Criteria 2020. Collection method: clinical testing. Allele origin: germline.
Comment: The IKZF1 c.398T>C (p.Met133Thr) missense change has a maximum subpopulation frequency of 0.0044% in gnomAD v2.1.1. This variant occurs in a gene where missense variants are more likely to be damaging based on methods described by Lek et al. (PMID: 27535533), however the in silico tool REVEL predicts a benign effect of this variant on protein function. To our knowledge, functional assays have not been performed and this variant has not been reported in individuals with acute lymphoblastic leukemia or immunodeficiency. In summary, this variant meets criteria to be classified as of uncertain significance.

NM_006060.6(IKZF1):c.398T>C (p.Met133Thr)

Gene: IKZF1 (IKAROS family zinc finger 1; plus strand). Cytogenetic location: 7p12.2.
Variant type: single nucleotide variant.
Coding change: c.398T>C on transcript NM_006060.6 (MANE Select); coding-DNA position 398, T replaced by C.
Protein change: p.Met133Thr; replaces methionine 133 with threonine.
Molecular consequence: missense variant. On other transcripts: intron variant (9).
Genome position (GRCh38, 1-based): chr7:50,376,770, T>C. VCF-style: chr7-50376770-T-C. GRCh37 (hg19) VCF-style: chr7-50444468-T-C.
Other names: c.398T>C, p.Met133Thr (NM_001220765.3, NM_001220768.2, NM_001220771.2 and 1 more transcripts); c.161-5770T>C (NM_001291839.2, NM_001291838.2, NM_001220767.2 and 1 more transcripts); c.161-10575T>C (NM_001291841.1, NM_001291842.1); c.161-14959T>C (NM_001291843.1, NM_001291844.1); c.161-23148T>C (NM_001291840.1); short protein forms M133T.
Identifiers: ClinVar variation 1691526 (VCV001691526.9), dbSNP rs764847531, ClinGen allele CA4261280.